The following is an entry in ClinVar:

ClinVar aggregate classification (germline): Pathogenic (1 of 4 stars; one submission).

Conditions:
Peroxisome biogenesis disorder 5A (Zellweger) (PBD5A). Identifiers: Orphanet 912, MedGen C3553940, MONDO:0013932, OMIM 614866.

Submission:

Labcorp Genetics (formerly Invitae), Labcorp
Classification: Pathogenic for Peroxisome biogenesis disorder 5A (Zellweger). Last evaluated: 2023-06-28. Review status: criteria provided, single submitter. Criteria: Invitae Variant Classification Sherloc (09022015). Collection method: clinical testing. Allele origin: germline.
Comment: This variant disrupts a region of the PEX2 protein in which other variant(s) (p.Arg119*) have been determined to be pathogenic (PMID: 1546315, 7681622, 9452066, 9585609, 10528859, 15542397, 21465523, 23430938). This suggests that this is a clinically significant region of the protein, and that variants that disrupt it are likely to be disease-causing. For these reasons, this variant has been classified as Pathogenic. This variant has not been reported in the literature in individuals affected with PEX2-related conditions. This sequence change creates a premature translational stop signal (p.Ala107Valfs*8) in the PEX2 gene. While this is not anticipated to result in nonsense mediated decay, it is expected to disrupt the last 199 amino acid(s) of the PEX2 protein. This variant is not present in population databases (gnomAD no frequency).

Literature cited by the submitters: PubMed 1546315; PubMed 7681622; PubMed 9452066; PubMed 9585609; PubMed 10528859; PubMed 15542397; PubMed 21465523; PubMed 23430938.

NM_000318.3(PEX2):c.320_326del (p.Ala107fs)

Gene: PEX2 (peroxisomal biogenesis factor 2; minus strand). Cytogenetic location: 8q21.13.
Variant type: Deletion.
Coding change: c.320_326del on transcript NM_000318.3 (MANE Select); coding-DNA positions 320 to 326, 7 bases deleted (CTGTTTG; older notation c.320_326delCTGTTTG).
Protein change: p.Ala107fs; shifts the reading frame from alanine 107.
Molecular consequence: frameshift variant.
Genome position (GRCh38, 1-based): chr8:76,983,853-76,983,859, CAAACAG deleted on the plus strand (CTGTTTG on the coding strand, the reverse complement: PEX2 is on the minus strand); deleting any 7 consecutive bases within chr8:76,983,853-76,983,861 gives the same sequence; the c. name uses the placement nearest the transcript's 3' end. VCF-style (leftmost placement, unchanged base first): chr8-76983852-ACAAACAG-A. GRCh37 (hg19) VCF-style: chr8-77896088-ACAAACAG-A.
Other names: c.320_326del, p.Ala107fs (NM_001079867.2, NM_001172086.2, NM_001172087.2); short protein forms A107fs.
Identifiers: ClinVar variation 2800172 (VCV002800172.3), dbSNP rs2487452618, ClinGen allele CA2739268833.
Genomic context (GRCh38, chr8:76,983,852, plus strand): 5'-TAAATGATGGTTTCGAAACAAATCATAGCATCGTTCTTCTAACCACCTGCCACCAATTGT[ACAAACAG>A]CATACCAGATTTTTTGATTTTTACTGGGTGGCTGATATCTCAGGTTAGGGGAAAAATCAT-3'